The following is an entry in ClinVar:

NM_019098.5(CNGB3):c.*621G>A

Gene: CNGB3 (cyclic nucleotide gated channel subunit beta 3; minus strand). Cytogenetic location: 8q21.3.
Variant type: single nucleotide variant.
Coding change: c.*621G>A on transcript NM_019098.5 (MANE Select); 621 bases downstream of the stop codon, G replaced by A.
Molecular consequence: 3 prime UTR variant.
Genome position (GRCh38, 1-based): chr8:86,575,183, C>T on the plus strand (G>A on the coding strand, the complement: CNGB3 is on the minus strand). VCF-style: chr8-86575183-C-T. GRCh37 (hg19) VCF-style: chr8-87587411-C-T.
Identifiers: ClinVar variation 363858 (VCV000363858.5), dbSNP rs116835980, ClinGen allele CA10631686.

ClinVar aggregate classification (germline): Likely benign. Review status: criteria provided, single submitter (1 of 4 stars). 2 submissions from 1 submitter: Likely benign (2). Last evaluated 2018-01-13.

Conditions:
Severe early-childhood-onset retinal dystrophy (STGD1). Also called: STGD; Stargardt macular dystrophy; Juvenile onset macular degeneration; Stargardt disease 1; MACULAR DYSTROPHY WITH FLECKS, TYPE 1. Identifiers: Orphanet 364055, Orphanet 827, MedGen C1855465, MeSH D000080362, MONDO:0009549, OMIM 248200.
Achromatopsia 3 (ACHM3). Also called: PINGELAPESE BLINDNESS; TOTAL COLORBLINDNESS WITH MYOPIA; ROD MONOCHROMACY 1; ROD MONOCHROMATISM 1; ACHROMATOPSIA WITH MYOPIA. Identifiers: Orphanet 49382, MedGen C1849792, MONDO:0009875, OMIM 262300.

Allele frequency attached by ClinVar (database versions not stated): TOPMed 0.00672; gnomAD 0.00624 and 0.00669; 1000 Genomes Project 0.00879; 1000 Genomes Project 30x 0.00968.

Submissions (2):

Illumina Laboratory Services, Illumina
Classification: Likely benign for Severe early-childhood-onset retinal dystrophy. Last evaluated: 2018-01-13. Review status: criteria provided, single submitter. Criteria: ICSL Variant Classification Criteria 13 December 2019. Collection method: clinical testing. Allele origin: germline.
Comment: This variant was observed in the ICSL laboratory as part of a predisposition screen in an ostensibly healthy population. It had not been previously curated by ICSL or reported in the Human Gene Mutation Database (HGMD: prior to June 1st, 2018), and was therefore a candidate for classification through an automated scoring system. Utilizing variant allele frequency, disease prevalence and penetrance estimates, and inheritance mode, an automated score was calculated to assess if this variant is too frequent to cause the disease. Based on the score and internal cut-off values, a variant classified as likely benign is not then subjected to further curation. The score for this variant resulted in a classification of likely benign for this disease.

Illumina Laboratory Services, Illumina
Classification: Likely benign for Achromatopsia 3. Last evaluated: 2018-01-13. Review status: criteria provided, single submitter. Criteria: ICSL Variant Classification Criteria 13 December 2019. Collection method: clinical testing. Allele origin: germline.
Comment: the same text as in the submission from Illumina Laboratory Services, Illumina above.